The following is an entry in ClinVar:

NM_001369.3(DNAH5):c.9772G>C (p.Glu3258Gln)

Gene: DNAH5 (dynein axonemal heavy chain 5; minus strand). Cytogenetic location: 5p15.2.
Variant type: single nucleotide variant.
Coding change: c.9772G>C on transcript NM_001369.3 (MANE Select); coding-DNA position 9772, G replaced by C.
Protein change: p.Glu3258Gln; replaces glutamic acid 3258 with glutamine.
Molecular consequence: missense variant.
Genome position (GRCh38, 1-based): chr5:13,769,085, C>G on the plus strand (G>C on the coding strand, the complement: DNAH5 is on the minus strand). VCF-style: chr5-13769085-C-G. GRCh37 (hg19) VCF-style: chr5-13769194-C-G.
Other names: short protein forms E3258Q.
Identifiers: ClinVar variation 1768147 (VCV001768147.2), dbSNP rs769058578, ClinGen allele CA359202134.
Genomic context (GRCh38, chr5:13,769,085, plus strand): 5'-CTTTGTCTTTAGAGATGCTGTCCACAATGGCCTGGGCCCTGTCCTTCACCTTCTGTACCT[C>G]AGCCTTGACCTTTTCAGCAGCCTGTGCTTTCATTGTCACTTCTTTTAAGACCTAATTCAA-3'
Protein context (NP_001360.1, residues 3248-3268): KAQAAEKVKA[Glu3258Gln]VQKVKDRAQA

ClinVar aggregate classification (germline): Uncertain significance (1 of 4 stars; one submission).

Conditions:
Primary ciliary dyskinesia. Also called: Ciliary dyskinesia. Identifiers: Orphanet 244, MedGen C0008780, MONDO:0016575, HP:0012265.

Allele frequency attached by ClinVar (database versions not stated): gnomAD exomes below 0.00001.
gnomAD v4.1: 1 of 1,614,206 alleles (0.000062%); highest among the groups gnomAD compares: Non-Finnish European, 0.000085%; no homozygotes.

Submission:

Ambry Genetics
Classification: Uncertain significance for Primary ciliary dyskinesia. Last evaluated: 2019-07-23. Review status: criteria provided, single submitter. Criteria: Ambry Variant Classification Scheme 2023. Collection method: clinical testing. Allele origin: germline.
Comment: The p.E3258Q variant (also known as c.9772G>C), located in coding exon 58 of the DNAH5 gene, results from a G to C substitution at nucleotide position 9772. The glutamic acid at codon 3258 is replaced by glutamine, an amino acid with highly similar properties. This amino acid position is well conserved in available vertebrate species. In addition, this alteration is predicted to be tolerated by in silico analysis. Since supporting evidence is limited at this time, the clinical significance of this alteration remains unclear.